The following is an entry in ClinVar:

NM_003482.4(KMT2D):c.15976C>G (p.Leu5326Val)

Gene: KMT2D (lysine methyltransferase 2D; minus strand). Cytogenetic location: 12q13.12.
Variant type: single nucleotide variant.
Coding change: c.15976C>G on transcript NM_003482.4 (MANE Select); coding-DNA position 15976, C replaced by G.
Protein change: p.Leu5326Val; replaces leucine 5326 with valine.
Molecular consequence: missense variant.
Genome position (GRCh38, 1-based): chr12:49,024,654, G>C on the plus strand (C>G on the coding strand, the complement: KMT2D is on the minus strand). VCF-style: chr12-49024654-G-C. GRCh37 (hg19) VCF-style: chr12-49418437-G-C.
Other names: short protein forms L5326V.
Identifiers: ClinVar variation 1983369 (VCV001983369.4), dbSNP rs1942486258, ClinGen allele CA384681652.

ClinVar aggregate classification (germline): Uncertain significance (1 of 4 stars; one submission).

Conditions:
Kabuki syndrome. Also called: NIIKAWA-KUROKI SYNDROME; Kabuki make-up syndrome. Identifiers: Orphanet 2322, MedGen C0796004, MONDO:0016512.

Submission:

Labcorp Genetics (formerly Invitae), Labcorp
Classification: Uncertain significance for Kabuki syndrome. Last evaluated: 2024-05-15. Review status: criteria provided, single submitter. Criteria: Invitae Variant Classification Sherloc (09022015). Collection method: clinical testing. Allele origin: germline.
Comment: This sequence change replaces leucine, which is neutral and non-polar, with valine, which is neutral and non-polar, at codon 5326 of the KMT2D protein (p.Leu5326Val). This variant is not present in population databases (gnomAD no frequency). This variant has not been reported in the literature in individuals affected with KMT2D-related conditions. ClinVar contains an entry for this variant (Variation ID: 1983369). Advanced modeling of protein sequence and biophysical properties (such as structural, functional, and spatial information, amino acid conservation, physicochemical variation, residue mobility, and thermodynamic stability) has been performed at Invitae for this missense variant, however the output from this modeling did not meet the statistical confidence thresholds required to predict the impact of this variant on KMT2D protein function. In summary, the available evidence is currently insufficient to determine the role of this variant in disease. Therefore, it has been classified as a Variant of Uncertain Significance.